The following is an entry in ClinVar:

NM_002137.4(HNRNPA2B1):c.484T>C (p.Tyr162His)

Gene: HNRNPA2B1 (heterogeneous nuclear ribonucleoprotein A2/B1; minus strand). Cytogenetic location: 7p15.2.
Variant type: single nucleotide variant.
Coding change: c.484T>C on transcript NM_002137.4 (MANE Select); coding-DNA position 484, T replaced by C.
Protein change: p.Tyr162His; replaces tyrosine 162 with histidine.
Molecular consequence: missense variant.
Genome position (GRCh38, 1-based): chr7:26,196,650, A>G on the plus strand (T>C on the coding strand, the complement: HNRNPA2B1 is on the minus strand). VCF-style: chr7-26196650-A-G. GRCh37 (hg19) VCF-style: chr7-26236270-A-G.
Other names: c.520T>C, p.Tyr174His (NM_031243.4); short protein forms Y162H, Y174H.
Identifiers: ClinVar variation 3639952 (VCV003639952.2).

ClinVar aggregate classification (germline): Uncertain significance (1 of 4 stars; one submission).

Conditions:
Inclusion body myopathy with early-onset Paget disease with or without frontotemporal dementia 2 (IBMPFD2). Also called: MULTISYSTEM PROTEINOPATHY 2. Identifiers: MedGen C3809468, MONDO:0014178, OMIM 615422.

gnomAD v4.1: 3 of 1,612,948 alleles (0.00019%); highest among the groups gnomAD compares: Non-Finnish European, 0.00025%; no homozygotes.

Submission:

Labcorp Genetics (formerly Invitae), Labcorp
Classification: Uncertain significance for Inclusion body myopathy with early-onset Paget disease with or without frontotemporal dementia 2. Last evaluated: 2024-02-09. Review status: criteria provided, single submitter. Criteria: Invitae Variant Classification Sherloc (09022015). Collection method: clinical testing. Allele origin: germline.
Comment: This sequence change replaces tyrosine, which is neutral and polar, with histidine, which is basic and polar, at codon 174 of the HNRNPA2B1 protein (p.Tyr174His). This variant is not present in population databases (gnomAD no frequency). This variant has not been reported in the literature in individuals affected with HNRNPA2B1-related conditions. Advanced modeling of protein sequence and biophysical properties (such as structural, functional, and spatial information, amino acid conservation, physicochemical variation, residue mobility, and thermodynamic stability) performed at Invitae indicates that this missense variant is not expected to disrupt HNRNPA2B1 protein function with a negative predictive value of 80%. In summary, the available evidence is currently insufficient to determine the role of this variant in disease. Therefore, it has been classified as a Variant of Uncertain Significance.